The following is an entry in ClinVar:

ClinVar aggregate classification (germline): Uncertain significance (1 of 4 stars; one submission).

Submission:

GeneDx
Classification: Uncertain significance. Last evaluated: 2024-09-13. Review status: criteria provided, single submitter. Criteria: GeneDx Variant Classification Process June 2021. Collection method: clinical testing. Allele origin: germline. Affected: yes.
Comment: Not observed at significant frequency in large population cohorts (gnomAD); In-frame deletion of one amino acid in a non-repeat region; In silico analysis supports a deleterious effect on protein structure/function; Has not been previously published as pathogenic or benign to our knowledge

NM_002296.4(LBR):c.842_844del (p.Val281del)

Gene: LBR (lamin B receptor; minus strand). Cytogenetic location: 1q42.12.
Variant type: Deletion.
Coding change: c.842_844del on transcript NM_002296.4 (MANE Select); coding-DNA positions 842 to 844, 3 bases deleted (TAG; older notation c.842_844delTAG).
Protein change: p.Val281del; deletes valine 281.
Genome position (GRCh38, 1-based): chr1:225,415,326-225,415,328, CTA deleted on the plus strand (TAG on the coding strand, the reverse complement: LBR is on the minus strand); deleting any 3 consecutive bases within chr1:225,415,326-225,415,329 gives the same sequence; the c. name uses the placement nearest the transcript's 3' end. VCF-style (leftmost placement, unchanged base first): chr1-225415325-TCTA-T. GRCh37 (hg19) VCF-style: chr1-225603027-TCTA-T.
Other names: c.842_844del, p.Val281del (NM_194442.3); short protein forms V281del.
Identifiers: ClinVar variation 3769986 (VCV003769986.1).